The following is an entry in ClinVar:

ClinVar aggregate classification (germline): Uncertain significance (1 of 4 stars; one submission).

Conditions:
Hereditary cancer-predisposing syndrome. Also called: Hereditary Cancer Syndrome; Tumor predisposition; Hereditary neoplastic syndrome; Neoplastic Syndromes, Hereditary. Identifiers: Orphanet 140162, MedGen C0027672, MeSH D009386, MONDO:0015356.
Cardiovascular phenotype. Identifiers: MedGen CN230736.

Submission:

Ambry Genetics
Classification: Uncertain significance for Cardiovascular phenotype; Hereditary cancer-predisposing syndrome. Last evaluated: 2024-07-14. Review status: criteria provided, single submitter. Criteria: Ambry Variant Classification Scheme 2023. Collection method: clinical testing. Allele origin: germline.
Comment: The p.S1353Y variant (also known as c.4058C>A), located in coding exon 30 of the NF1 gene, results from a C to A substitution at nucleotide position 4058. The serine at codon 1353 is replaced by tyrosine, an amino acid with dissimilar properties. This amino acid position is conserved. In addition, this alteration is predicted to be deleterious by in silico analysis. Based on the available evidence, the clinical significance of this variant remains unclear.

NM_001042492.3(NF1):c.4058C>A (p.Ser1353Tyr)

Gene: NF1 (neurofibromin 1; plus strand). Cytogenetic location: 17q11.2.
Variant type: single nucleotide variant.
Coding change: c.4058C>A on transcript NM_001042492.3 (MANE Select); coding-DNA position 4058, C replaced by A.
Protein change: p.Ser1353Tyr; replaces serine 1353 with tyrosine.
Molecular consequence: missense variant.
Genome position (GRCh38, 1-based): chr17:31,249,067, C>A. VCF-style: chr17-31249067-C-A. GRCh37 (hg19) VCF-style: chr17-29576085-C-A.
Other names: c.4058C>A, p.Ser1353Tyr (NM_000267.4); short protein forms S1353Y.
Identifiers: ClinVar variation 3404666 (VCV003404666.1).